The following is an entry in ClinVar:

NM_003239.5(TGFB3):c.419A>G (p.Glu140Gly)

Gene: TGFB3 (transforming growth factor beta 3; minus strand). Cytogenetic location: 14q24.3.
Variant type: single nucleotide variant.
Coding change: c.419A>G on transcript NM_003239.5 (MANE Select); coding-DNA position 419, A replaced by G.
Protein change: p.Glu140Gly; replaces glutamic acid 140 with glycine.
Molecular consequence: missense variant.
Genome position (GRCh38, 1-based): chr14:75,971,652, T>C on the plus strand (A>G on the coding strand, the complement: TGFB3 is on the minus strand). VCF-style: chr14-75971652-T-C. GRCh37 (hg19) VCF-style: chr14-76437995-T-C.
Other names: c.419A>G, p.Glu140Gly (NM_001329938.2, NM_001329939.2); short protein forms E140G.
Identifiers: ClinVar variation 3455818 (VCV003455818.2).

ClinVar aggregate classification (germline): Uncertain significance (1 of 4 stars; one submission).

Conditions:
Familial thoracic aortic aneurysm and aortic dissection (TAAD). Also called: Thoracic aortic aneurysms and dissections. Identifiers: Orphanet 91387, MedGen C4707243, MONDO:0019625.

gnomAD v4.1: 4 of 1,614,250 alleles (0.00025%); highest among the groups gnomAD compares: Non-Finnish European, 0.00034%; no homozygotes.

Submission:

Ambry Genetics
Classification: Uncertain significance for Familial thoracic aortic aneurysm and aortic dissection. Last evaluated: 2024-12-13. Review status: criteria provided, single submitter. Criteria: Ambry Variant Classification Scheme 2023. Collection method: clinical testing. Allele origin: germline.
Comment: The p.E140G variant (also known as c.419A>G), located in coding exon 2 of the TGFB3 gene, results from an A to G substitution at nucleotide position 419. The glutamic acid at codon 140 is replaced by glycine, an amino acid with similar properties. This amino acid position is conserved. In addition, this alteration is predicted to be deleterious by in silico analysis. Based on the available evidence, the clinical significance of this variant remains unclear.